The following is an entry in ClinVar:

NM_003619.4(PRSS12):c.*764A>G

Gene: PRSS12 (serine protease 12; minus strand). Cytogenetic location: 4q26.
Variant type: single nucleotide variant.
Coding change: c.*764A>G on transcript NM_003619.4 (MANE Select); 764 bases downstream of the stop codon, A replaced by G.
Molecular consequence: 3 prime UTR variant.
Genome position (GRCh38, 1-based): chr4:118,281,172, T>C on the plus strand (A>G on the coding strand, the complement: PRSS12 is on the minus strand). VCF-style: chr4-118281172-T-C. GRCh37 (hg19) VCF-style: chr4-119202327-T-C.
Identifiers: ClinVar variation 347379 (VCV000347379.5), dbSNP rs11098431, ClinGen allele CA10616978.

ClinVar aggregate classification (germline): Likely benign (1 of 4 stars; one submission).

Conditions:
Intellectual developmental disorder, autosomal recessive 1. Also called: Intellectual disability, autosomal recessive 1; MENTAL RETARDATION, AUTOSOMAL RECESSIVE 1. Identifiers: Orphanet 88616, MedGen C1855304, MONDO:0009580, OMIM 249500.

Allele frequency attached by ClinVar (database versions not stated): gnomAD 0.00041 and 0.00048; 1000 Genomes Project 0.00180; TOPMed 0.00071; 1000 Genomes Project 30x 0.00172.

Submission:

Illumina Laboratory Services, Illumina
Classification: Likely benign for Intellectual developmental disorder, autosomal recessive 1. Last evaluated: 2018-01-12. Review status: criteria provided, single submitter. Criteria: ICSL Variant Classification Criteria 13 December 2019. Collection method: clinical testing. Allele origin: germline.
Comment: This variant was observed in the ICSL laboratory as part of a predisposition screen in an ostensibly healthy population. It had not been previously curated by ICSL or reported in the Human Gene Mutation Database (HGMD: prior to June 1st, 2018), and was therefore a candidate for classification through an automated scoring system. Utilizing variant allele frequency, disease prevalence and penetrance estimates, and inheritance mode, an automated score was calculated to assess if this variant is too frequent to cause the disease. Based on the score and internal cut-off values, a variant classified as likely benign is not then subjected to further curation. The score for this variant resulted in a classification of likely benign for this disease.